The following is an entry in ClinVar:

NM_013335.4(GMPPA):c.592T>C (p.Phe198Leu)

Genes: ASIC4-AS1 (ASIC4 antisense RNA 1; minus strand), GMPPA (GDP-mannose pyrophosphorylase A; plus strand). Cytogenetic location: 2q35.
Variant type: single nucleotide variant.
Coding change: c.592T>C on transcript NM_013335.4 (MANE Select); coding-DNA position 592, T replaced by C.
Protein change: p.Phe198Leu; replaces phenylalanine 198 with leucine.
Molecular consequence: missense variant.
Genome position (GRCh38, 1-based): chr2:219,504,185, T>C. VCF-style: chr2-219504185-T-C. GRCh37 (hg19) VCF-style: chr2-220368907-T-C.
Other names: c.592T>C, p.Phe198Leu (NM_205847.3); short protein forms F198L.
Identifiers: ClinVar variation 474674 (VCV000474674.12), dbSNP rs773715630, ClinGen allele CA2128225.

ClinVar aggregate classification (germline): Conflicting classifications of pathogenicity. Review status: criteria provided, conflicting classifications (1 of 4 stars). 4 submissions from 4 submitters: Uncertain significance (3); Likely benign (1). Last evaluated 2024-09-20.

Conditions:
Alacrima, achalasia, and impaired intellectual development syndrome. Also called: Alacrima, achalasia, and intellectual disability syndrome; Alacrima, achalasia, and mental retardation syndrome. Identifiers: Orphanet 869, MedGen C4706563, MONDO:0014219, OMIM 615510.
Inborn genetic diseases. Identifiers: MedGen C0950123, MeSH D030342.

Allele frequency attached by ClinVar (database versions not stated): gnomAD below 0.00001 and 0.00002; gnomAD exomes 0.00005 and 0.00013; ExAC 0.00016; TOPMed 0.00001.
gnomAD v4.1: 73 of 1,613,998 alleles (0.0045%); highest among the groups gnomAD compares: South Asian, 0.076%; no homozygotes.

Submissions (4):

3billion
Classification: Likely benign for Alacrima, achalasia, and impaired intellectual development syndrome. Last evaluated: 2024-09-20. Review status: criteria provided, single submitter. Criteria: ACMG Guidelines, 2015. Collection method: clinical testing. Allele origin: germline. Affected: no.
Comment: The homozygous variant was found in patients diagnosed with another variant in a different gene, with no symptoms related to the gene containing the homozygous variant.

Ambry Genetics
Classification: Uncertain significance for Inborn genetic diseases. Last evaluated: 2023-04-05. Review status: criteria provided, single submitter. Criteria: Ambry Variant Classification Scheme 2023. Collection method: clinical testing. Allele origin: germline.

Labcorp Genetics (formerly Invitae), Labcorp
Classification: Uncertain significance for Alacrima, achalasia, and impaired intellectual development syndrome. Last evaluated: 2018-01-13. Review status: criteria provided, single submitter. Criteria: Invitae Variant Classification Sherloc (09022015). Collection method: clinical testing. Allele origin: germline.
Comment: In summary, this variant is a rare missense change with uncertain impact on protein function. There is no indication that it causes disease, but the available evidence is currently insufficient to prove that conclusively. Therefore, it has been classified as a Variant of Uncertain Significance. Algorithms developed to predict the effect of missense changes on protein structure and function do not agree on the potential impact of this missense change (SIFT: "Deleterious"; PolyPhen-2: "Benign"; Align-GVGD: "Class C0"). This variant is present in population databases (rs773715630, ExAC 0.1%) but has not been reported in the literature in individuals with a GMPPA-related disease. This sequence change replaces phenylalanine with leucine at codon 198 of the GMPPA protein (p.Phe198Leu). The phenylalanine residue is highly conserved and there is a small physicochemical difference between phenylalanine and leucine.

Neuberg Centre For Genomic Medicine, NCGM
Classification: Uncertain significance for Alacrima, achalasia, and impaired intellectual development syndrome. Review status: criteria provided, single submitter. Criteria: ACMG Guidelines, 2015. Collection method: clinical testing. Allele origin: germline. Inheritance: Autosomal recessive inheritance. Affected: yes.
Comment: The missense variant c.592T>C (p.Phe198Leu) in GMPPA has been submitted to ClinVar as Variant of Uncertain Significance (VUS). The p.Phe198Leu variant has allele frequency of 0.013% in the gnomad and novel (not in any individuals) in 1000 genome database. The amino acid Phe at position 198 is changed to a Leu changing protein sequence and it might alter its composition and physico-chemical properties. The amino acid change p.Phe198Leu in GMPPA is predicted as conserved by GERP++ and PhyloP across 100 vertebrates. For these reasons, this variant has been classified as Uncertain Significance (VUS).